The following is an entry in ClinVar:

ClinVar aggregate classification (germline): Conflicting classifications of pathogenicity. Review status: criteria provided, conflicting classifications (1 of 4 stars). 5 submissions from 5 submitters: Likely pathogenic (1); Uncertain significance (4). Last evaluated 2025-09-25.

Conditions:
Hereditary pancreatitis (PCTT). Also called: Hereditary chronic pancreatitis; PRSS1-Related Hereditary Pancreatitis. Identifiers: Orphanet 676, MedGen C0238339, MONDO:0008185, OMIM 167800.
Cystic fibrosis (CF). Also called: MUCOVISCIDOSIS. Identifiers: Orphanet 586, MedGen C0010674, MONDO:0009061, OMIM 219700. Disease mechanism: loss of function.

Allele frequency attached by ClinVar (database versions not stated): gnomAD exomes 0.00001.
gnomAD v4.1: 4 of 1,613,490 alleles (0.00025%); highest among the groups gnomAD compares: Non-Finnish European, 0.00034%; no homozygotes.

Submissions (5):

Dasa
Classification: Uncertain significance. Last evaluated: 2025-09-25. Review status: criteria provided, single submitter. Criteria: DASA Assertion Criteria. Collection method: clinical testing. Allele origin: germline.
Comment: NM_000492.4(CFTR):c.3118C>T (p.Leu1040Phe) is a missense variant that results in the substitution of leucine with phenylalanine. This variant has been observed in affected individuals with CFTR-related disorders. Also, this variant is rare in population databases. Computational prediction algorithms are consistent with a deleterious effect. The currently available literature and clinical evidence are not sufficient to establish a definitive association between this variant and the reported condition. Therefore, this variant is classified as a variant of uncertain significance.

Johns Hopkins Genomics, Johns Hopkins University
Classification: Likely pathogenic for Cystic fibrosis. Last evaluated: 2025-07-11. Review status: criteria provided, single submitter. Criteria: ACMG Guidelines, 2015. Collection method: clinical testing. Allele origin: germline.
Comment: This CFTR missense variant (rs1562914212) is rare (<0.1%) in a large population dataset (gnomADv4.1.0: 4/1613490 total alleles; 0.00025%; no homozygotes) and has been reported in ClinVar (Variation ID: 618953). It has not been reported in the literature in individuals diagnosed with cystic fibrosis, to our knowledge. A single functional study demonstrates that this variant decreases CFTR function (6.9% of wild type) to a level observed for CF-causing variants (<10% wild type function). We consider CFTR c.3118C>T to be likely pathogenic.

Ambry Genetics
Classification: Uncertain significance for Cystic fibrosis. Last evaluated: 2024-07-11. Review status: criteria provided, single submitter. Criteria: Ambry Variant Classification Scheme 2023. Collection method: clinical testing. Allele origin: germline.
Comment: The p.L1040F variant (also known as c.3118C>T), located in coding exon 19 of the CFTR gene, results from a C to T substitution at nucleotide position 3118. The leucine at codon 1040 is replaced by phenylalanine, an amino acid with highly similar properties. This amino acid position is highly conserved in available vertebrate species. In addition, this alteration is predicted to be deleterious by in silico analysis. Based on the available evidence, the clinical significance of this variant remains unclear.

MGZ Medical Genetics Center
Classification: Uncertain significance for Hereditary pancreatitis. Last evaluated: 2022-07-14. Review status: criteria provided, single submitter. Criteria: ACMG Guidelines, 2015. Collection method: clinical testing. Allele origin: germline. Affected: yes. Observed: 1 variant allele.
Comment: ACMG criteria applied: PM2_SUP, PM3_SUP, PP3

Mendelics
Classification: Uncertain significance for Cystic fibrosis. Last evaluated: 2018-11-05. Review status: criteria provided, single submitter. Criteria: Mendelics Assertion Criteria 2017. Collection method: clinical testing. Allele origin: unknown. Affected: yes.

Literature cited by the submitters: PubMed 38388235 (cited by Johns Hopkins Genomics, Johns Hopkins University).

NM_000492.4(CFTR):c.3118C>T (p.Leu1040Phe)

Genes: CFTR (CF transmembrane conductance regulator; plus strand), CFTR-AS2 (CFTR antisense RNA 2; minus strand), LOC111674472 (DNase I hypersensitive sites in introns 16 and 17a of CFTR; plus strand). Cytogenetic location: 7q31.2.
Variant type: single nucleotide variant.
Coding change: c.3118C>T on transcript NM_000492.4 (MANE Select); coding-DNA position 3118, C replaced by T.
Protein change: p.Leu1040Phe; replaces leucine 1040 with phenylalanine.
Molecular consequence: missense variant.
Genome position (GRCh38, 1-based): chr7:117,610,648, C>T. VCF-style: chr7-117610648-C-T. GRCh37 (hg19) VCF-style: chr7-117250702-C-T.
Other names: c.3118C>T (NM_000492.3); short protein forms L1040F.
Identifiers: ClinVar variation 618953 (VCV000618953.8), dbSNP rs1562914212, ClinGen allele CA368990821.